The following is an entry in ClinVar:

ClinVar aggregate classification (germline): Likely benign. Review status: criteria provided, multiple submitters, no conflicts (2 of 4 stars). 3 submissions from 3 submitters: Likely benign (3). Last evaluated 2025-07-07.

Conditions:
NSD1-related disorder. Also called: NSD1-related condition.
Inborn genetic diseases. Identifiers: MedGen C0950123, MeSH D030342.

Allele frequency attached by ClinVar (database versions not stated): gnomAD exomes 0.00002; gnomAD 0.00008 and 0.00009; TOPMed 0.00011.
gnomAD v4.1: 156 of 1,614,042 alleles (0.0097%); highest among the groups gnomAD compares: Non-Finnish European, 0.012%; no homozygotes.

Submissions (3):

Labcorp Genetics (formerly Invitae), Labcorp
Classification: Likely benign. Last evaluated: 2025-07-07. Review status: criteria provided, single submitter. Criteria: Invitae Variant Classification Sherloc (09022015). Collection method: clinical testing. Allele origin: germline.

PreventionGenetics, part of Exact Sciences
Classification: Likely benign for NSD1-related condition. Last evaluated: 2024-12-20. Review status: criteria provided, single submitter. Criteria: ACMG Guidelines, 2015. Collection method: clinical testing. Allele origin: germline.
Comment: This variant is classified as likely benign based on ACMG/AMP sequence variant interpretation guidelines (Richards et al. 2015 PMID: 25741868, with internal and published modifications).

Ambry Genetics
Classification: Likely benign for Inborn genetic diseases. Last evaluated: 2017-06-27. Review status: criteria provided, single submitter. Criteria: Ambry Variant Classification Scheme 2023. Collection method: clinical testing. Allele origin: germline.

NM_022455.5(NSD1):c.4665G>A (p.Leu1555=)

Gene: NSD1 (nuclear receptor binding SET domain protein 1; plus strand). Cytogenetic location: 5q35.3.
Variant type: single nucleotide variant.
Coding change: c.4665G>A on transcript NM_022455.5 (MANE Select); coding-DNA position 4665, G replaced by A.
Protein change: p.Leu1555=; no amino-acid change (leucine 1555 retained).
Molecular consequence: synonymous variant.
Genome position (GRCh38, 1-based): chr5:177,251,753, G>A. VCF-style: chr5-177251753-G-A. GRCh37 (hg19) VCF-style: chr5-176678754-G-A.
Other names: c.3792G>A, p.Leu1264= (NM_001365684.2, NM_001409306.1, NM_001409307.1 and 3 more transcripts); c.4665G>A, p.Leu1555= (NM_001409301.1, NM_001409302.1, NM_001409303.1); c.4245G>A, p.Leu1415= (NM_001409304.1); c.3912G>A, p.Leu1304= (NM_001409305.1).
Identifiers: ClinVar variation 454052 (VCV000454052.13), dbSNP rs779537845, ClinGen allele CA132862238.